The following is an entry in ClinVar:

ClinVar aggregate classification (germline): Uncertain significance (1 of 4 stars; one submission).

Conditions:
Hereditary cancer-predisposing syndrome. Also called: Neoplastic Syndromes, Hereditary; Tumor predisposition; Hereditary neoplastic syndrome; Hereditary Cancer Syndrome. Identifiers: Orphanet 140162, MedGen C0027672, MeSH D009386, MONDO:0015356.

Submission:

Ambry Genetics
Classification: Uncertain significance for Hereditary cancer-predisposing syndrome. Last evaluated: 2023-12-18. Review status: criteria provided, single submitter. Criteria: Ambry Variant Classification Scheme 2023. Collection method: clinical testing. Allele origin: germline.
Comment: The p.L290V variant (also known as c.868C>G), located in coding exon 7 of the CDK4 gene, results from a C to G substitution at nucleotide position 868. The leucine at codon 290 is replaced by valine, an amino acid with highly similar properties. This amino acid position is conserved. In addition, this alteration is predicted to be tolerated by in silico analysis. Since supporting evidence is limited at this time, the clinical significance of this alteration remains unclear.

NM_000075.4(CDK4):c.868C>G (p.Leu290Val)

Genes: CDK4 (cyclin dependent kinase 4; minus strand), TSPAN31 (tetraspanin 31; plus strand). Cytogenetic location: 12q14.1.
Variant type: single nucleotide variant.
Coding change: c.868C>G on transcript NM_000075.4 (MANE Select); coding-DNA position 868, C replaced by G.
Protein change: p.Leu290Val; replaces leucine 290 with valine.
Molecular consequence: missense variant. On other transcripts: 3 prime UTR variant (3).
Genome position (GRCh38, 1-based): chr12:57,748,569, G>C on the plus strand (C>G on the coding strand, the complement: CDK4 is on the minus strand). VCF-style: chr12-57748569-G-C. GRCh37 (hg19) VCF-style: chr12-58142352-G-C.
Other names: c.*1279G>C (NM_001330168.2, NM_001330169.2, NM_005981.5); short protein forms L290V.
Identifiers: ClinVar variation 3230249 (VCV003230249.1), dbSNP rs1555201026, ClinGen allele CA385542384.